The following is an entry in ClinVar:

NM_001212.4(C1QBP):c.577-5_577-3del

Gene: C1QBP (complement C1q binding protein; minus strand). Cytogenetic location: 17p13.2.
Variant type: Deletion.
Coding change: c.577-5_577-3del on transcript NM_001212.4 (MANE Select); 5 bases into the intron before coding-DNA position 577 through 3 bases into the intron before coding-DNA position 577, 3 bases deleted (CTC; older notation c.577-5_577-3delCTC).
Molecular consequence: intron variant.
Genome position (GRCh38, 1-based): chr17:5,433,418-5,433,420, GAG deleted on the plus strand (CTC on the coding strand, the reverse complement: C1QBP is on the minus strand). VCF-style (leftmost placement, unchanged base first): chr17-5433417-TGAG-T. GRCh37 (hg19) VCF-style: chr17-5336737-TGAG-T.
Other names: c.577-5_577-3delCTC (NM_001212.3).
Identifiers: ClinVar variation 2063133 (VCV002063133.7), dbSNP rs575136676, ClinGen allele CA8325226.

ClinVar aggregate classification (germline): Uncertain significance. Review status: criteria provided, multiple submitters, no conflicts (2 of 4 stars). 3 submissions from 3 submitters: Uncertain significance (2). 1 of the submissions does not count toward it. Last evaluated 2026-03-01.

Conditions:
C1QBP-related disorder. Also called: C1QBP-related condition.

Allele frequency attached by ClinVar (database versions not stated): gnomAD 0.00011; ESP Exome Variant Server 0.00016; ExAC 0.00017; TOPMed 0.00019; gnomAD exomes 0.00020.

Submissions (3):

CeGaT Center for Human Genetics Tuebingen
Classification: Uncertain significance. Last evaluated: 2026-03-01. Review status: criteria provided, single submitter. Criteria: CeGaT Center For Human Genetics Tuebingen Variant Classification Criteria Version 2. Collection method: clinical testing. Allele origin: germline. Affected: yes. Observed: 1 variant allele.
Comment: C1QBP: PM2, PM3:Supporting, BP4

Labcorp Genetics (formerly Invitae), Labcorp
Classification: Uncertain significance. Last evaluated: 2022-08-13. Review status: criteria provided, single submitter. Criteria: Invitae Variant Classification Sherloc (09022015). Collection method: clinical testing. Allele origin: germline.
Comment: This sequence change falls in intron 4 of the C1QBP gene. It does not directly change the encoded amino acid sequence of the C1QBP protein. It affects a nucleotide within the consensus splice site. This variant is present in population databases (rs575136676, gnomAD 0.09%). This variant has not been reported in the literature in individuals affected with C1QBP-related conditions. Variants that disrupt the consensus splice site are a relatively common cause of aberrant splicing (PMID: 17576681, 9536098). Algorithms developed to predict the effect of sequence changes on RNA splicing suggest that this variant is not likely to affect RNA splicing. In summary, the available evidence is currently insufficient to determine the role of this variant in disease. Therefore, it has been classified as a Variant of Uncertain Significance.

PreventionGenetics, part of Exact Sciences
Classification: Likely benign for C1QBP-related condition. Last evaluated: 2020-03-30. Review status: no assertion criteria provided. Collection method: clinical testing. Allele origin: germline. Not counted in ClinVar's aggregate classification.
Comment: This variant is classified as likely benign based on ACMG/AMP sequence variant interpretation guidelines (Richards et al. 2015 PMID: 25741868, with internal and published modifications).

Literature cited by the submitters: PubMed 17576681 (cited by Labcorp Genetics (formerly Invitae), Labcorp); PubMed 9536098 (cited by Labcorp Genetics (formerly Invitae), Labcorp).